The following is an entry in ClinVar:

ClinVar aggregate classification (germline): Uncertain significance. Review status: criteria provided, multiple submitters, no conflicts (2 of 4 stars). 2 submissions from 2 submitters: Uncertain significance (2). Last evaluated 2025-06-03.

Conditions:
Inborn genetic diseases. Identifiers: MedGen C0950123, MeSH D030342.

Allele frequency attached by ClinVar (database versions not stated): gnomAD exomes below 0.00001.
gnomAD v4.1: 2 of 1,613,812 alleles (0.00012%); highest among the groups gnomAD compares: Admixed American, 0.0017%; no homozygotes.

Submissions (2):

Ambry Genetics
Classification: Uncertain significance for Inborn genetic diseases. Last evaluated: 2025-06-03. Review status: criteria provided, single submitter. Criteria: Ambry Variant Classification Scheme 2023. Collection method: clinical testing. Allele origin: germline.
Comment: The p.V1408F variant (also known as c.4222G>T), located in coding exon 1 of the SAMD9 gene, results from a G to T substitution at nucleotide position 4222. The valine at codon 1408 is replaced by phenylalanine, an amino acid with highly similar properties. This amino acid position is conserved. In addition, this alteration is predicted to be tolerated by in silico analysis. Based on the available evidence, the clinical significance of this variant remains unclear.

Labcorp Genetics (formerly Invitae), Labcorp
Classification: Uncertain significance. Last evaluated: 2024-04-15. Review status: criteria provided, single submitter. Criteria: Invitae Variant Classification Sherloc (09022015). Collection method: clinical testing. Allele origin: germline.
Comment: This sequence change replaces valine, which is neutral and non-polar, with phenylalanine, which is neutral and non-polar, at codon 1408 of the SAMD9 protein (p.Val1408Phe). This variant is present in population databases (no rsID available, gnomAD 0.003%). This variant has not been reported in the literature in individuals affected with SAMD9-related conditions. Advanced modeling of protein sequence and biophysical properties (such as structural, functional, and spatial information, amino acid conservation, physicochemical variation, residue mobility, and thermodynamic stability) performed at Invitae indicates that this missense variant is not expected to disrupt SAMD9 protein function with a negative predictive value of 95%. In summary, the available evidence is currently insufficient to determine the role of this variant in disease. Therefore, it has been classified as a Variant of Uncertain Significance.

NM_017654.4(SAMD9):c.4222G>T (p.Val1408Phe)

Gene: SAMD9 (sterile alpha motif domain containing 9; minus strand). Cytogenetic location: 7q21.2.
Variant type: single nucleotide variant.
Coding change: c.4222G>T on transcript NM_017654.4 (MANE Select); coding-DNA position 4222, G replaced by T.
Protein change: p.Val1408Phe; replaces valine 1408 with phenylalanine.
Molecular consequence: missense variant.
Genome position (GRCh38, 1-based): chr7:93,101,876, C>A on the plus strand (G>T on the coding strand, the complement: SAMD9 is on the minus strand). VCF-style: chr7-93101876-C-A. GRCh37 (hg19) VCF-style: chr7-92731189-C-A.
Other names: c.4222G>T (NM_017654.3); c.4222G>T, p.Val1408Phe (NM_001193307.2); short protein forms V1408F.
Identifiers: ClinVar variation 2786954 (VCV002786954.4), dbSNP rs1421477770, ClinGen allele CA368180139.
Genomic context (GRCh38, chr7:93,101,876, plus strand): 5'-ACTGATAAGTCAGTCCTATTGGTTGCAAGACTTCTCGAAGCTGATCTTTTAGTTTTTCAA[C>A]TGGCTTTACTAATCTGGAGGTAGGTTGGATACAGGAGAGAATAATGTTGGCCAAGATGAA-3'
Protein context (NP_060124.2, residues 1398-1418): IQPTSRLVKP[Val1408Phe]EKLKDQLREV